The following is an entry in ClinVar:

NM_000384.3(APOB):c.3147G>A (p.Met1049Ile)

Gene: APOB (apolipoprotein B; minus strand). Cytogenetic location: 2p24.1.
Variant type: single nucleotide variant.
Coding change: c.3147G>A on transcript NM_000384.3 (MANE Select); coding-DNA position 3147, G replaced by A.
Protein change: p.Met1049Ile; replaces methionine 1049 with isoleucine.
Molecular consequence: missense variant.
Genome position (GRCh38, 1-based): chr2:21,016,624, C>T on the plus strand (G>A on the coding strand, the complement: APOB is on the minus strand). VCF-style: chr2-21016624-C-T. GRCh37 (hg19) VCF-style: chr2-21239496-C-T.
Other names: c.3147G>A (NM_000384.2); short protein forms M1049I.
Identifiers: ClinVar variation 2928814 (VCV002928814.4), dbSNP rs556469321, ClinGen allele CA43514908.

ClinVar aggregate classification (germline): Uncertain significance. Review status: criteria provided, multiple submitters, no conflicts (2 of 4 stars). 2 submissions from 2 submitters: Uncertain significance (2). Last evaluated 2026-03-25.

Conditions:
Familial hypobetalipoproteinemia 1. Also called: APOB-Related Familial Hypobetalipoproteinemia; Hypobetalipoproteinemia, normotriglyceridemic; Acanthocytosis with hypobetalipoproteinemia. Identifiers: MedGen C4551990, MONDO:0014252, OMIM 615558.
Hypercholesterolemia, autosomal dominant, type B (FHCL2). Also called: APOLIPOPROTEIN B-100, FAMILIAL DEFECTIVE; APOLIPOPROTEIN B-100, FAMILIAL LIGAND-DEFECTIVE; HYPERCHOLESTEROLEMIA, FAMILIAL, DUE TO LIGAND-DEFECTIVE APOLIPOPROTEIN B; Hyperlipoproteinemia Type IIb; Familial Hypercholesterolemia Type B; Familial hypercholesterolemia 2. Identifiers: MedGen C1704417, MONDO:0007751, OMIM 144010.

Submissions (2):

GeneDx
Classification: Uncertain significance. Last evaluated: 2026-03-25. Review status: criteria provided, single submitter. Criteria: GeneDx Variant Classification Process June 2021. Collection method: clinical testing. Allele origin: germline.
Comment: Not observed at significant frequency in large population cohorts (gnomAD); In silico analysis suggests that this missense variant does not alter protein structure/function; Has not been previously published as pathogenic or benign to our knowledge

Labcorp Genetics (formerly Invitae), Labcorp
Classification: Uncertain significance for Familial hypobetalipoproteinemia 1; Hypercholesterolemia, autosomal dominant, type B. Last evaluated: 2024-12-17. Review status: criteria provided, single submitter. Criteria: Invitae Variant Classification Sherloc (09022015). Collection method: clinical testing. Allele origin: germline.
Comment: This sequence change replaces methionine, which is neutral and non-polar, with isoleucine, which is neutral and non-polar, at codon 1049 of the APOB protein (p.Met1049Ile). This variant is present in population databases (rs556469321, gnomAD 0.01%). This variant has not been reported in the literature in individuals affected with APOB-related conditions. ClinVar contains an entry for this variant (Variation ID: 2928814). Invitae Evidence Modeling of protein sequence and biophysical properties (such as structural, functional, and spatial information, amino acid conservation, physicochemical variation, residue mobility, and thermodynamic stability) indicates that this missense variant is not expected to disrupt APOB protein function with a negative predictive value of 95%. In summary, the available evidence is currently insufficient to determine the role of this variant in disease. Therefore, it has been classified as a Variant of Uncertain Significance.